The following is an entry in ClinVar:

NM_025132.4(WDR19):c.3140C>A (p.Pro1047Gln)

Gene: WDR19 (WD repeat domain 19; plus strand). Cytogenetic location: 4p14.
Variant type: single nucleotide variant.
Coding change: c.3140C>A on transcript NM_025132.4 (MANE Select); coding-DNA position 3140, C replaced by A.
Protein change: p.Pro1047Gln; replaces proline 1047 with glutamine.
Molecular consequence: missense variant.
Genome position (GRCh38, 1-based): chr4:39,257,511, C>A. VCF-style: chr4-39257511-C-A. GRCh37 (hg19) VCF-style: chr4-39259131-C-A.
Other names: c.2660C>A, p.Pro887Gln (NM_001317924.2); short protein forms P1047Q, P887Q.
Identifiers: ClinVar variation 1980638 (VCV001980638.2), dbSNP rs1244203665, ClinGen allele CA356643551.

ClinVar aggregate classification (germline): Uncertain significance. Review status: criteria provided, multiple submitters, no conflicts (2 of 4 stars). 2 submissions from 2 submitters: Uncertain significance (2). Last evaluated 2022-09-27.

Conditions:
Asphyxiating thoracic dystrophy 5 (SRTD5). Also called: SHORT-RIB THORACIC DYSPLASIA 5 WITHOUT POLYDACTYLY; SHORT-RIB THORACIC DYSPLASIA 5 WITH OR WITHOUT POLYDACTYLY. Identifiers: Orphanet 474, MedGen C3280598, MONDO:0013717, OMIM 614376.
Senior-Loken syndrome 8 (SLSN8). Identifiers: Orphanet 3156, MedGen C4225376, MONDO:0014579, OMIM 616307.

gnomAD v4.1: 1 of 1,588,288 alleles (0.000063%); highest among the groups gnomAD compares: Admixed American, 0.0018%; no homozygotes.

Submissions (2):

Labcorp Genetics (formerly Invitae), Labcorp
Classification: Uncertain significance for Senior-Loken syndrome 8; Asphyxiating thoracic dystrophy 5. Last evaluated: 2022-09-27. Review status: criteria provided, single submitter. Criteria: Invitae Variant Classification Sherloc (09022015). Collection method: clinical testing. Allele origin: germline.
Comment: This sequence change replaces proline, which is neutral and non-polar, with glutamine, which is neutral and polar, at codon 1047 of the WDR19 protein (p.Pro1047Gln). This variant is not present in population databases (gnomAD no frequency). This variant has not been reported in the literature in individuals affected with WDR19-related conditions. Advanced modeling of protein sequence and biophysical properties (such as structural, functional, and spatial information, amino acid conservation, physicochemical variation, residue mobility, and thermodynamic stability) performed at Invitae indicates that this missense variant is not expected to disrupt WDR19 protein function. In summary, the available evidence is currently insufficient to determine the role of this variant in disease. Therefore, it has been classified as a Variant of Uncertain Significance.

Blueprint Genetics
Classification: Uncertain significance. Last evaluated: 2019-02-06. Review status: criteria provided, single submitter. Criteria: ACMG Guidelines, 2015. Collection method: clinical testing. Allele origin: germline.